The following is an entry in ClinVar:

NM_001041.4(SI):c.3415C>G (p.Pro1139Ala)

Gene: SI (sucrase-isomaltase; minus strand). Cytogenetic location: 3q26.1.
Variant type: single nucleotide variant.
Coding change: c.3415C>G on transcript NM_001041.4 (MANE Select); coding-DNA position 3415, C replaced by G.
Protein change: p.Pro1139Ala; replaces proline 1139 with alanine.
Molecular consequence: missense variant.
Genome position (GRCh38, 1-based): chr3:165,019,610, G>C on the plus strand (C>G on the coding strand, the complement: SI is on the minus strand). VCF-style: chr3-165019610-G-C. GRCh37 (hg19) VCF-style: chr3-164737398-G-C.
Other names: short protein forms P1139A.
Identifiers: ClinVar variation 2879288 (VCV002879288.3), dbSNP rs2473281960, ClinGen allele CA355038893.

ClinVar aggregate classification (germline): Uncertain significance (1 of 4 stars; one submission).

gnomAD v4.1: 1 of 1,612,248 alleles (0.000062%); highest among the groups gnomAD compares: Non-Finnish European, 0.000085%; no homozygotes.

Submission:

Labcorp Genetics (formerly Invitae), Labcorp
Classification: Uncertain significance. Last evaluated: 2023-01-30. Review status: criteria provided, single submitter. Criteria: Invitae Variant Classification Sherloc (09022015). Collection method: clinical testing. Allele origin: germline.
Comment: This sequence change replaces proline, which is neutral and non-polar, with alanine, which is neutral and non-polar, at codon 1139 of the SI protein (p.Pro1139Ala). This variant is not present in population databases (gnomAD no frequency). This variant has not been reported in the literature in individuals affected with SI-related conditions. Advanced modeling of protein sequence and biophysical properties (such as structural, functional, and spatial information, amino acid conservation, physicochemical variation, residue mobility, and thermodynamic stability) has been performed at Invitae for this missense variant, however the output from this modeling did not meet the statistical confidence thresholds required to predict the impact of this variant on SI protein function. In summary, the available evidence is currently insufficient to determine the role of this variant in disease. Therefore, it has been classified as a Variant of Uncertain Significance.